The following is an entry in ClinVar:

NM_021942.6(TRAPPC11):c.2238-4A>G

Genes: TRAPPC11 (trafficking protein particle complex subunit 11; plus strand), LOC126807238 (BRD4-independent group 4 enhancer GRCh37_chr4:184614366-184615565; plus strand). Cytogenetic location: 4q35.1.
Variant type: single nucleotide variant.
Coding change: c.2238-4A>G on transcript NM_021942.6 (MANE Select); 4 bases into the intron before coding-DNA position 2238, A replaced by G.
Molecular consequence: intron variant.
Genome position (GRCh38, 1-based): chr4:183,693,585, A>G. VCF-style: chr4-183693585-A-G. GRCh37 (hg19) VCF-style: chr4-184614738-A-G.
Other names: c.2238-4A>G (NM_199053.3).
Identifiers: ClinVar variation 1041145 (VCV001041145.9), dbSNP rs1736369470, ClinGen allele CA1518738113.

ClinVar aggregate classification (germline): Uncertain significance (1 of 4 stars; one submission).

Conditions:
Autosomal recessive limb-girdle muscular dystrophy type R18 (LGMDR18). Also called: MUSCULAR DYSTROPHY, LIMB-GIRDLE, AUTOSOMAL RECESSIVE 18; Autosomal recessive limb-girdle muscular dystrophy type 2S; Limb-girdle muscular dystrophy, type 2S. Identifiers: Orphanet 369840, MedGen C4517996, MONDO:0014144, OMIM 615356.

Submission:

Labcorp Genetics (formerly Invitae), Labcorp
Classification: Uncertain significance for Autosomal recessive limb-girdle muscular dystrophy type R18. Last evaluated: 2023-07-27. Review status: criteria provided, single submitter. Criteria: Invitae Variant Classification Sherloc (09022015). Collection method: clinical testing. Allele origin: germline.
Comment: In summary, the available evidence is currently insufficient to determine the role of this variant in disease. Therefore, it has been classified as a Variant of Uncertain Significance. Algorithms developed to predict the effect of sequence changes on RNA splicing suggest that this variant may create or strengthen a splice site. ClinVar contains an entry for this variant (Variation ID: 1041145). This variant has not been reported in the literature in individuals affected with TRAPPC11-related conditions. This variant is not present in population databases (gnomAD no frequency). This sequence change falls in intron 20 of the TRAPPC11 gene. It does not directly change the encoded amino acid sequence of the TRAPPC11 protein.